The following is an entry in ClinVar:

ClinVar aggregate classification (germline): Benign (3 of 4 stars; one submission).

Conditions:
Breast-ovarian cancer, familial, susceptibility to, 1 (BROVCA1). Also called: BRCA1 Hereditary Breast and Ovarian Cancer; OVARIAN CANCER, SUSCEPTIBILITY TO. Identifiers: Orphanet 145, MedGen C2676676, MONDO:0011450, OMIM 604370. Disease mechanism: loss of function.

Allele frequency attached by ClinVar (database versions not stated): TOPMed 0.00039; gnomAD 0.00051; 1000 Genomes Project 0.00319; 1000 Genomes Project 30x 0.00375.
gnomAD v4.1: 62 of 148,134 alleles (0.042%); highest among the groups gnomAD compares: East Asian, 1.1%; no homozygotes.

Submission:

Evidence-based Network for the Interpretation of Germline Mutant Alleles (ENIGMA)
Classification: Benign for Breast-ovarian cancer, familial, susceptibility to, 1. Last evaluated: 2016-09-28. Review status: reviewed by expert panel. Criteria: ENIGMA BRCA1/2 Classification Criteria (2015). Collection method: curation. Allele origin: germline.
Comment: Class 1 not pathogenic based on frequency >1% in an outbred sampleset. Frequency 0.0149 (East Asian), derived from 1000 genomes (2013-05-02).

NM_007294.4(BRCA1):c.594-622G>C

Gene: BRCA1 (BRCA1 DNA repair associated; minus strand). Cytogenetic location: 17q21.31.
Variant type: single nucleotide variant.
Coding change: c.594-622G>C on transcript NM_007294.4 (MANE Select); 622 bases into the intron before coding-DNA position 594, G replaced by C.
Molecular consequence: intron variant.
Genome position (GRCh38, 1-based): chr17:43,096,544, C>G on the plus strand (G>C on the coding strand, the complement: BRCA1 is on the minus strand). VCF-style: chr17-43096544-C-G. GRCh37 (hg19) VCF-style: chr17-41248561-C-G.
Other names: c.453-622G>C (NM_001408458.1, NM_001408469.1, NM_001408453.1 and 43 more transcripts); c.-218-1684G>C (NM_001407967.1, NM_001407966.1); c.213-622G>C (NM_001407959.1, NM_001408510.1, NM_001407963.1 and 1 more transcripts); c.404-1684G>C (NM_001407931.1, NM_001407932.1, NM_001408503.1 and 5 more transcripts); c.450-622G>C (NM_001407747.1, NM_001408470.1, NM_001407848.1 and 26 more transcripts); c.210-622G>C (NM_001407962.1); c.167-1684G>C (NM_001408512.1, NM_001407965.1); c.384-622G>C (NM_001407885.1, NM_001407886.1, NM_001407881.1 and 27 more transcripts); and 17 more.
Identifiers: ClinVar variation 264812 (VCV000264812.2), dbSNP rs189108346, ClinGen allele CA10588228.